The following is an entry in ClinVar:

NC_000002.11:g.(?_63660859)_(63667025_?)dup

Gene: WDPCP (WD repeat containing planar cell polarity effector; minus strand). Cytogenetic location: 2p15.
Variant type: Duplication.
Identifiers: ClinVar variation 2426242 (VCV002426242.2).

ClinVar aggregate classification (germline): Uncertain significance (1 of 4 stars; one submission).

Conditions:
Bardet-Biedl syndrome (BBS). Identifiers: Orphanet 110, MedGen C0752166, MONDO:0015229.

Submission:

Labcorp Genetics (formerly Invitae), Labcorp
Classification: Uncertain significance for Bardet-Biedl syndrome. Last evaluated: 2022-04-08. Review status: criteria provided, single submitter. Criteria: Invitae Variant Classification Sherloc (09022015). Collection method: clinical testing. Allele origin: germline.
Comment: In summary, the available evidence is currently insufficient to determine the role of this variant in disease. Therefore, it has been classified as a Variant of Uncertain Significance. Experimental studies and prediction algorithms are not available or were not evaluated, and the functional significance of this variant is currently unknown. This variant has not been reported in the literature in individuals affected with WDPCP-related conditions. This variant results in a copy number gain of the genomic region encompassing exon(s) 7-9 of the WDPCP gene. While the exact position of this variant cannot be determined from the data, sub-genic copy number gains are generally in tandem (PMID: 25640679). This variant is predicted to be in-frame, and likely preserves the integrity of the reading frame.

Literature cited by the submitters: PubMed 25640679.